The following is an entry in ClinVar:

ClinVar aggregate classification (germline): Conflicting classifications of pathogenicity. Review status: criteria provided, conflicting classifications (1 of 4 stars). 3 submissions from 3 submitters: Uncertain significance (1); Likely benign (2). Last evaluated 2026-03-05.

Conditions:
Infantile-onset X-linked spinal muscular atrophy. Also called: AMC, DISTAL, X-LINKED; ARTHROGRYPOSIS, X-LINKED, TYPE I; Spinal Muscular Atrophy, X-Linked Infantile; Spinal muscular atrophy, X-linked 2; SPINAL MUSCULAR ATROPHY, X-LINKED LETHAL INFANTILE. Identifiers: Orphanet 1145, MedGen C1844934, MONDO:0010532, OMIM 301830.
UBA1-related disorder. Also called: UBA1-related condition.
Inborn genetic diseases. Identifiers: MedGen C0950123, MeSH D030342.

Allele frequency attached by ClinVar (database versions not stated): gnomAD 0.00001 and 0.00002; gnomAD exomes 0.00002 and 0.00005; ExAC 0.00003; TOPMed 0.00003.
gnomAD v4.1: 23 of 1,210,603 alleles (0.0019%); highest among the groups gnomAD compares: Admixed American, 0.017%; no homozygotes.

Submissions (3):

PreventionGenetics, part of Exact Sciences
Classification: Likely benign for UBA1-related condition. Last evaluated: 2026-03-05. Review status: criteria provided, single submitter. Criteria: ACMG Guidelines, 2015. Collection method: clinical testing. Allele origin: germline.
Comment: This variant is classified as likely benign based on ACMG/AMP sequence variant interpretation guidelines (Richards et al. 2015 PMID: 25741868, with internal and published modifications).

Labcorp Genetics (formerly Invitae), Labcorp
Classification: Uncertain significance for Infantile-onset X-linked spinal muscular atrophy. Last evaluated: 2025-06-30. Review status: criteria provided, single submitter. Criteria: Invitae Variant Classification Sherloc (09022015). Collection method: clinical testing. Allele origin: germline.
Comment: This sequence change replaces arginine, which is basic and polar, with glutamine, which is neutral and polar, at codon 81 of the UBA1 protein (p.Arg81Gln). This variant is present in population databases (rs782097752, gnomAD 0.03%), including at least one homozygous and/or hemizygous individual. This variant has not been reported in the literature in individuals affected with UBA1-related conditions. ClinVar contains an entry for this variant (Variation ID: 1465397). An algorithm developed to predict the effect of missense changes on protein structure and function (PolyPhen-2) suggests that this variant is likely to be tolerated. In summary, the available evidence is currently insufficient to determine the role of this variant in disease. Therefore, it has been classified as a Variant of Uncertain Significance.

Ambry Genetics
Classification: Likely benign for Inborn genetic diseases. Last evaluated: 2025-04-10. Review status: criteria provided, single submitter. Criteria: Ambry Variant Classification Scheme 2023. Collection method: clinical testing. Allele origin: germline.

NM_003334.4(UBA1):c.242G>A (p.Arg81Gln)

Genes: UBA1 (ubiquitin like modifier activating enzyme 1; plus strand), LOC126863253 (CDK7 strongly-dependent group 2 enhancer GRCh37_chrX:47057593-47058792; plus strand). Cytogenetic location: Xp11.3.
Variant type: single nucleotide variant.
Coding change: c.242G>A on transcript NM_003334.4 (MANE Select); coding-DNA position 242, G replaced by A.
Protein change: p.Arg81Gln; replaces arginine 81 with glutamine.
Molecular consequence: missense variant.
Genome position (GRCh38, 1-based): chrX:47,199,274, G>A. VCF-style: chrX-47199274-G-A. GRCh37 (hg19) VCF-style: chrX-47058673-G-A.
Other names: c.242G>A (NM_003334.3); c.242G>A, p.Arg81Gln (NM_153280.3); short protein forms R81Q.
Identifiers: ClinVar variation 1465397 (VCV001465397.8), dbSNP rs782097752, ClinGen allele CA10395630.
Genomic context (GRCh38, chrX:47,199,274, plus strand): 5'-TGTTGGGCCATGAGGCAATGAAGCGGCTCCAGACATCCAGTGTCCTGGTATCAGGCCTGC[G>A]GGGCCTGGGCGTGGAGATCGCTAAGAACATCATCCTTGGTGGGGTCAAGGCTGTTACCCT-3'
Protein context (NP_003325.2, residues 71-91): QTSSVLVSGL[Arg81Gln]GLGVEIAKNI